The following is an entry in ClinVar:

NM_005591.4(MRE11):c.2081A>G (p.Asp694Gly)

Gene: MRE11 (MRE11 double strand break repair nuclease; minus strand). Cytogenetic location: 11q21.
Variant type: single nucleotide variant.
Coding change: c.2081A>G on transcript NM_005591.4 (MANE Select); coding-DNA position 2081, A replaced by G.
Protein change: p.Asp694Gly; replaces aspartic acid 694 with glycine.
Molecular consequence: missense variant.
Genome position (GRCh38, 1-based): chr11:94,420,171, T>C on the plus strand (A>G on the coding strand, the complement: MRE11 is on the minus strand). VCF-style: chr11-94420171-T-C. GRCh37 (hg19) VCF-style: chr11-94153337-T-C.
Other names: c.2078A>G, p.Asp693Gly (NM_001330347.2); c.1997A>G, p.Asp666Gly (NM_005590.4); short protein forms D666G, D693G, D694G.
Identifiers: ClinVar variation 1799728 (VCV001799728.3), dbSNP rs2496089531, ClinGen allele CA382372598.

ClinVar aggregate classification (germline): Uncertain significance (1 of 4 stars; one submission).

Conditions:
Hereditary cancer-predisposing syndrome. Also called: Neoplastic Syndromes, Hereditary; Tumor predisposition; Hereditary Cancer Syndrome; Hereditary neoplastic syndrome. Identifiers: Orphanet 140162, MedGen C0027672, MeSH D009386, MONDO:0015356.

Submission:

Ambry Genetics
Classification: Uncertain significance for Hereditary cancer-predisposing syndrome. Last evaluated: 2024-05-31. Review status: criteria provided, single submitter. Criteria: Ambry Variant Classification Scheme 2023. Collection method: clinical testing. Allele origin: germline.
Comment: The p.D694G variant (also known as c.2081A>G), located in coding exon 19 of the MRE11A gene, results from an A to G substitution at nucleotide position 2081. The aspartic acid at codon 694 is replaced by glycine, an amino acid with similar properties. This amino acid position is conserved. In addition, the in silico prediction for this alteration is inconclusive. Since supporting evidence is limited at this time, the clinical significance of this alteration remains unclear.